The following is an entry in ClinVar:

ClinVar aggregate classification (germline): Uncertain significance. Review status: criteria provided, multiple submitters, no conflicts (2 of 4 stars). 2 submissions from 2 submitters: Uncertain significance (2). Last evaluated 2025-02-12.

Conditions:
PPM1D-related disorder. Also called: PPM1D-related condition.
Inborn genetic diseases. Identifiers: MedGen C0950123, MeSH D030342.

Allele frequency attached by ClinVar (database versions not stated): gnomAD 0.00001.
gnomAD v4.1: 5 of 1,614,086 alleles (0.00031%); highest among the groups gnomAD compares: Non-Finnish European, 0.00042%; no homozygotes.

Submissions (2):

PreventionGenetics, part of Exact Sciences
Classification: Uncertain significance for PPM1D-related condition. Last evaluated: 2025-02-12. Review status: criteria provided, single submitter. Criteria: ACMG Guidelines, 2015. Collection method: clinical testing. Allele origin: germline.
Comment: The PPM1D c.1080G>C variant is predicted to result in the amino acid substitution p.Gln360His. To our knowledge, this variant has not been reported in the literature. This variant is reported in 0.0065% of alleles in individuals of European (Non-Finnish) descent in gnomAD. At this time, the clinical significance of this variant is uncertain due to the absence of conclusive functional and genetic evidence.

Ambry Genetics
Classification: Uncertain significance for Inborn genetic diseases. Last evaluated: 2024-01-03. Review status: criteria provided, single submitter. Criteria: Ambry Variant Classification Scheme 2023. Collection method: clinical testing. Allele origin: germline.

NM_003620.4(PPM1D):c.1080G>C (p.Gln360His)

Gene: PPM1D (protein phosphatase, Mg2+/Mn2+ dependent 1D; plus strand). Cytogenetic location: 17q23.2.
Variant type: single nucleotide variant.
Coding change: c.1080G>C on transcript NM_003620.4 (MANE Select); coding-DNA position 1080, G replaced by C.
Protein change: p.Gln360His; replaces glutamine 360 with histidine.
Molecular consequence: missense variant.
Genome position (GRCh38, 1-based): chr17:60,656,661, G>C. VCF-style: chr17-60656661-G-C. GRCh37 (hg19) VCF-style: chr17-58734022-G-C.
Other names: short protein forms Q360H.
Identifiers: ClinVar variation 2635429 (VCV002635429.3), dbSNP rs1429799869, ClinGen allele CA400450459.